The following is an entry in ClinVar:

ClinVar aggregate classification (germline): Uncertain significance (1 of 4 stars; one submission).

gnomAD v4.1: 1 of 1,614,136 alleles (0.000062%); highest among the groups gnomAD compares: Non-Finnish European, 0.000085%; no homozygotes.

Submission:

Ambry Genetics
Classification: Uncertain significance. Last evaluated: 2025-05-02. Review status: criteria provided, single submitter. Criteria: Ambry Variant Classification Scheme 2023. Collection method: clinical testing. Allele origin: germline.
Comment: The p.S1076R variant (also known as c.3228C>G), located in coding exon 1 of the TET2 gene, results from a C to G substitution at nucleotide position 3228. The serine at codon 1076 is replaced by arginine, an amino acid with dissimilar properties. This amino acid position is conserved. In addition, this alteration is predicted to be tolerated by in silico analysis. Based on the available evidence, the clinical significance of this variant remains unclear.

NM_001127208.3(TET2):c.3228C>G (p.Ser1076Arg)

Genes: TET2 (tet methylcytosine dioxygenase 2; plus strand), TET2-AS1 (TET2 antisense RNA 1; minus strand). Cytogenetic location: 4q24.
Variant type: single nucleotide variant.
Coding change: c.3228C>G on transcript NM_001127208.3 (MANE Select); coding-DNA position 3228, C replaced by G.
Protein change: p.Ser1076Arg; replaces serine 1076 with arginine.
Molecular consequence: missense variant.
Genome position (GRCh38, 1-based): chr4:105,237,170, C>G. VCF-style: chr4-105237170-C-G. GRCh37 (hg19) VCF-style: chr4-106158327-C-G.
Other names: c.3228C>G, p.Ser1076Arg (NM_017628.4); short protein forms S1076R.
Identifiers: ClinVar variation 3967604 (VCV003967604.1).